The following is an entry in ClinVar:

NM_014989.7(RIMS1):c.3667A>G (p.Ile1223Val)

Gene: RIMS1 (regulating synaptic membrane exocytosis 1; plus strand). Cytogenetic location: 6q13.
Variant type: single nucleotide variant.
Coding change: c.3667A>G on transcript NM_014989.7 (MANE Select); coding-DNA position 3667, A replaced by G.
Protein change: p.Ile1223Val; replaces isoleucine 1223 with valine.
Molecular consequence: missense variant. On other transcripts: intron variant (56).
Genome position (GRCh38, 1-based): chr6:72,290,791, A>G. VCF-style: chr6-72290791-A-G. GRCh37 (hg19) VCF-style: chr6-73000494-A-G.
Other names: c.1741A>G, p.Ile581Val (NM_001350420.2); c.1723A>G, p.Ile575Val (NM_001350431.2); c.1810A>G, p.Ile604Val (NM_001350438.2, NM_001350456.2); c.1813A>G, p.Ile605Val (NM_001350442.2, NM_001350446.2); c.1672A>G, p.Ile558Val (NM_001350462.2); c.1632-1143A>G (NM_001350428.2); c.1560-1143A>G (NM_001350459.2, NM_001350424.2); c.1641-1143A>G (NM_001350437.2); and 31 more; short protein forms I558V, I575V, I1223V, I581V, I604V, I605V.
Identifiers: ClinVar variation 1911160 (VCV001911160.6), dbSNP rs747607657, ClinGen allele CA3886313.

ClinVar aggregate classification (germline): Conflicting classifications of pathogenicity. Review status: criteria provided, conflicting classifications (1 of 4 stars). 2 submissions from 2 submitters: Uncertain significance (1); Likely benign (1). Last evaluated 2022-08-15.

Allele frequency attached by ClinVar (database versions not stated): gnomAD exomes 0.00001; TOPMed 0.00001; ExAC 0.00002.
gnomAD v4.1: 4 of 1,613,820 alleles (0.00025%); highest among the groups gnomAD compares: Admixed American, 0.0033%; no homozygotes.

Submissions (2):

Labcorp Genetics (formerly Invitae), Labcorp
Classification: Uncertain significance. Last evaluated: 2022-08-15. Review status: criteria provided, single submitter. Criteria: Invitae Variant Classification Sherloc (09022015). Collection method: clinical testing. Allele origin: germline.
Comment: This variant is present in population databases (rs747607657, gnomAD 0.003%). This sequence change replaces isoleucine, which is neutral and non-polar, with valine, which is neutral and non-polar, at codon 1223 of the RIMS1 protein (p.Ile1223Val). This missense change has been observed in individual(s) with clinical features of RIMS1-related conditions (Invitae). Algorithms developed to predict the effect of missense changes on protein structure and function output the following: SIFT: "Tolerated"; PolyPhen-2: "Benign"; Align-GVGD: "Class C0". The valine amino acid residue is found in multiple mammalian species, which suggests that this missense change does not adversely affect protein function. In summary, the available evidence is currently insufficient to determine the role of this variant in disease. Therefore, it has been classified as a Variant of Uncertain Significance.

Ambry Genetics
Classification: Likely benign. Last evaluated: 2022-01-31. Review status: criteria provided, single submitter. Criteria: Ambry Variant Classification Scheme 2023. Collection method: clinical testing. Allele origin: germline.